The following is an entry in ClinVar:

ClinVar aggregate classification (germline): Likely benign (1 of 4 stars; one submission).

gnomAD v4.1: 47 of 1,614,158 alleles (0.0029%); highest among the groups gnomAD compares: Admixed American, 0.072%; no homozygotes.

Submission:

CeGaT Center for Human Genetics Tuebingen
Classification: Likely benign. Last evaluated: 2026-02-01. Review status: criteria provided, single submitter. Criteria: CeGaT Center For Human Genetics Tuebingen Variant Classification Criteria Version 2. Collection method: clinical testing. Allele origin: germline. Affected: yes. Observed: 2 variant alleles.
Comment: THOC6: BP4, BP7

NM_024339.5(THOC6):c.27G>T (p.Val9=)

Gene: THOC6 (THO complex subunit 6; plus strand). Cytogenetic location: 16p13.3.
Variant type: single nucleotide variant.
Coding change: c.27G>T on transcript NM_024339.5 (MANE Select); coding-DNA position 27, G replaced by T.
Protein change: p.Val9=; no amino-acid change (valine 9 retained).
Molecular consequence: synonymous variant. On other transcripts: 5 prime UTR variant (1).
Genome position (GRCh38, 1-based): chr16:3,024,353, G>T. VCF-style: chr16-3024353-G-T. GRCh37 (hg19) VCF-style: chr16-3074354-G-T.
Other names: c.27G>T, p.Val9= (NM_001142350.3, NM_001347704.2); c.-42G>T (NM_001347703.2).
Identifiers: ClinVar variation 3257308 (VCV003257308.17).